The following is an entry in ClinVar:

ClinVar aggregate classification (germline): Conflicting classifications of pathogenicity. Review status: criteria provided, conflicting classifications (1 of 4 stars). 8 submissions from 8 submitters: Uncertain significance (4); Benign (1); Likely benign (2). 1 of the submissions does not count toward it. Last evaluated 2026-01-17.

Conditions:
Gorlin syndrome. Also called: Nevoid Basal Cell Carcinoma Syndrome; Basal cell nevus syndrome. Identifiers: Orphanet 377, MedGen C0004779, MONDO:0007187.
Joubert syndrome 32 (JBTS32). Identifiers: MedGen C4540342, MONDO:0033309, OMIM 617757.
Hereditary cancer-predisposing syndrome. Also called: Tumor predisposition; Neoplastic Syndromes, Hereditary; Hereditary Cancer Syndrome; Hereditary neoplastic syndrome. Identifiers: Orphanet 140162, MedGen C0027672, MeSH D009386, MONDO:0015356.
Medulloblastoma (MDB). Also called: Medulloblastoma, somatic; MEDULLOBLASTOMA PREDISPOSITION SYNDROME. Identifiers: Orphanet 616, MedGen C0025149, MeSH D008527, MONDO:0007959, OMIM 155255, HP:0002885.
Familial meningioma. Also called: Meningioma, familial, susceptibility to. Identifiers: Orphanet 263662, MedGen C3551915, MONDO:0011789, OMIM 607174.

Allele frequency attached by ClinVar (database versions not stated): gnomAD exomes 0.00009 and 0.00012; TOPMed 0.00011; gnomAD 0.00014 and 0.00015; ExAC 0.00016; ESP Exome Variant Server 0.00038.

Submissions (8):

Labcorp Genetics (formerly Invitae), Labcorp
Classification: Likely benign for Gorlin syndrome; Medulloblastoma. Last evaluated: 2026-01-17. Review status: criteria provided, single submitter. Criteria: Invitae Variant Classification Sherloc (09022015). Collection method: clinical testing. Allele origin: germline.

Center for Genomic Medicine, Rigshospitalet, Copenhagen University Hospital
Classification: Uncertain significance. Last evaluated: 2025-12-29. Review status: criteria provided, single submitter. Criteria: ACMG Guidelines, 2015. Collection method: clinical testing. Allele origin: germline.
Comment: Classification criteria: BP4_moderate

GeneDx
Classification: Uncertain significance. Last evaluated: 2024-08-06. Review status: criteria provided, single submitter. Criteria: GeneDx Variant Classification Process June 2021. Collection method: clinical testing. Allele origin: germline. Affected: yes.
Comment: In silico analysis supports that this missense variant does not alter protein structure/function; Identified in an individual with personal or family history of breast cancer (PMID: 36315513); This variant is associated with the following publications: (PMID: 24311597, 36315513)

Baylor Genetics
Classification: Uncertain significance for Familial meningioma. Last evaluated: 2024-03-13. Review status: criteria provided, single submitter. Criteria: ACMG Guidelines, 2015. Collection method: clinical testing. Allele origin: unknown.

Quest Diagnostics Nichols Institute San Juan Capistrano
Classification: Likely benign. Last evaluated: 2022-10-18. Review status: criteria provided, single submitter. Criteria: Quest Diagnostics criteria. Collection method: clinical testing. Allele origin: unknown.

Institute for Clinical Genetics, University Hospital TU Dresden, University Hospital TU Dresden
Classification: Uncertain significance. Last evaluated: 2021-11-03. Review status: criteria provided, single submitter. Criteria: ACMG Guidelines, 2015. Collection method: clinical testing. Allele origin: germline.

Ambry Genetics
Classification: Benign for Hereditary cancer-predisposing syndrome. Last evaluated: 2021-01-04. Review status: criteria provided, single submitter. Criteria: Ambry Variant Classification Scheme 2023. Collection method: clinical testing. Allele origin: germline.

Zotz-Klimas Genetics Lab, MVZ Zotz Klimas
Classification: Uncertain significance for Basal cell nevus syndrome 1. Last evaluated: 2023-10-09. Review status: no assertion criteria provided. Collection method: clinical testing. Allele origin: germline. Affected: yes. Not counted in ClinVar's aggregate classification.

NM_016169.4(SUFU):c.1058C>T (p.Thr353Met)

Gene: SUFU (SUFU negative regulator of hedgehog signaling; plus strand). Cytogenetic location: 10q24.32.
Variant type: single nucleotide variant.
Coding change: c.1058C>T on transcript NM_016169.4 (MANE Select); coding-DNA position 1058, C replaced by T.
Protein change: p.Thr353Met; replaces threonine 353 with methionine.
Molecular consequence: missense variant.
Genome position (GRCh38, 1-based): chr10:102,615,303, C>T. VCF-style: chr10-102615303-C-T. GRCh37 (hg19) VCF-style: chr10-104375060-C-T.
Other names: c.1058C>T, p.Thr353Met (NM_001178133.2); short protein forms T353M.
Identifiers: ClinVar variation 406398 (VCV000406398.24), dbSNP rs137880855, ClinGen allele CA5667865.